The following is an entry in ClinVar:

NM_006180.6(NTRK2):c.428+3A>G

Gene: NTRK2 (neurotrophic receptor tyrosine kinase 2; plus strand). Cytogenetic location: 9q21.33.
Variant type: single nucleotide variant.
Coding change: c.428+3A>G on transcript NM_006180.6 (MANE Select); 3 bases into the intron after coding-DNA position 428, A replaced by G.
Molecular consequence: intron variant.
Genome position (GRCh38, 1-based): chr9:84,707,915, A>G. VCF-style: chr9-84707915-A-G. GRCh37 (hg19) VCF-style: chr9-87322830-A-G.
Other names: c.428+3A>G (NM_001369532.1, NM_001369533.1, NM_001018066.3 and 18 more transcripts); c.-41+3A>G (NM_001369536.1, NM_001369535.1, NM_001369550.1 and 2 more transcripts).
Identifiers: ClinVar variation 1508712 (VCV001508712.6), dbSNP rs2131792847, ClinGen allele CA2573144693.

ClinVar aggregate classification (germline): Uncertain significance (1 of 4 stars; one submission).

Allele frequency attached by ClinVar (database versions not stated): gnomAD exomes below 0.00001.
gnomAD v4.1: 2 of 1,611,312 alleles (0.00012%); highest among the groups gnomAD compares: South Asian, 0.0022%; no homozygotes.

Submission:

Labcorp Genetics (formerly Invitae), Labcorp
Classification: Uncertain significance. Last evaluated: 2025-02-17. Review status: criteria provided, single submitter. Criteria: Invitae Variant Classification Sherloc (09022015). Collection method: clinical testing. Allele origin: germline.
Comment: This sequence change falls in intron 7 of the NTRK2 gene. It does not directly change the encoded amino acid sequence of the NTRK2 protein. It affects a nucleotide within the consensus splice site. This variant is not present in population databases (gnomAD no frequency). This variant has not been reported in the literature in individuals affected with NTRK2-related conditions. ClinVar contains an entry for this variant (Variation ID: 1508712). Variants that disrupt the consensus splice site are a relatively common cause of aberrant splicing (PMID: 17576681, 9536098). Algorithms developed to predict the effect of sequence changes on RNA splicing suggest that this variant is not likely to affect RNA splicing. In summary, the available evidence is currently insufficient to determine the role of this variant in disease. Therefore, it has been classified as a Variant of Uncertain Significance.

Literature cited by the submitters: PubMed 17576681; PubMed 9536098.